The following is an entry in ClinVar:

NM_002637.4(PHKA1):c.2770A>G (p.Ile924Val)

Gene: PHKA1 (phosphorylase kinase regulatory subunit alpha 1; minus strand). Cytogenetic location: Xq13.1.
Variant type: single nucleotide variant.
Coding change: c.2770A>G on transcript NM_002637.4 (MANE Select); coding-DNA position 2770, A replaced by G.
Protein change: p.Ile924Val; replaces isoleucine 924 with valine.
Molecular consequence: missense variant.
Genome position (GRCh38, 1-based): chrX:72,605,316, T>C on the plus strand (A>G on the coding strand, the complement: PHKA1 is on the minus strand). VCF-style: chrX-72605316-T-C. GRCh37 (hg19) VCF-style: chrX-71825166-T-C.
Other names: c.2770A>G, p.Ile924Val (NM_001122670.2); c.2593A>G, p.Ile865Val (NM_001172436.2); short protein forms I924V, I865V.
Identifiers: ClinVar variation 2508747 (VCV002508747.4), dbSNP rs781982687, ClinGen allele CA10450619.

ClinVar aggregate classification (germline): Uncertain significance. Review status: criteria provided, multiple submitters, no conflicts (2 of 4 stars). 2 submissions from 2 submitters: Uncertain significance (2). Last evaluated 2024-12-24.

Conditions:
Glycogen storage disease IXd (GSD9D). Also called: GSD IXd; Muscle Phosphorylase Kinase Deficiency. Identifiers: Orphanet 715, MedGen C1845151, MONDO:0010362, OMIM 300559.
Inborn genetic diseases. Identifiers: MedGen C0950123, MeSH D030342.

Allele frequency attached by ClinVar (database versions not stated): ExAC 0.00001; gnomAD exomes 0.00001.
gnomAD v4.1: 12 of 1,205,398 alleles (0.001%); highest among the groups gnomAD compares: Non-Finnish European, 0.0013%; no homozygotes.

Submissions (2):

Labcorp Genetics (formerly Invitae), Labcorp
Classification: Uncertain significance for Glycogen storage disease IXd. Last evaluated: 2024-12-24. Review status: criteria provided, single submitter. Criteria: Invitae Variant Classification Sherloc (09022015). Collection method: clinical testing. Allele origin: germline.
Comment: This sequence change replaces isoleucine, which is neutral and non-polar, with valine, which is neutral and non-polar, at codon 924 of the PHKA1 protein (p.Ile924Val). This variant is present in population databases (rs781982687, gnomAD 0.004%). This variant has not been reported in the literature in individuals affected with PHKA1-related conditions. ClinVar contains an entry for this variant (Variation ID: 2508747). Invitae Evidence Modeling of protein sequence and biophysical properties (such as structural, functional, and spatial information, amino acid conservation, physicochemical variation, residue mobility, and thermodynamic stability) indicates that this missense variant is not expected to disrupt PHKA1 protein function with a negative predictive value of 80%. In summary, the available evidence is currently insufficient to determine the role of this variant in disease. Therefore, it has been classified as a Variant of Uncertain Significance.

Ambry Genetics
Classification: Uncertain significance for Inborn genetic diseases. Last evaluated: 2023-06-07. Review status: criteria provided, single submitter. Criteria: Ambry Variant Classification Scheme 2023. Collection method: clinical testing. Allele origin: germline.